The following is an entry in ClinVar:

ClinVar aggregate classification (germline): Pathogenic (1 of 4 stars; one submission).

Submission:

GeneDx
Classification: Pathogenic. Last evaluated: 2018-11-08. Review status: criteria provided, single submitter. Criteria: GeneDx Variant Classification (06012015). Collection method: clinical testing. Allele origin: germline. Affected: yes.
Comment: The W958X variant in the MAGEL2 gene has not been reported previously as a pathogenic variant nor as a benign variant, to our knowledge. This variant is predicted to cause loss of normal protein function through protein truncation. The W958X variant is not observed in large population cohorts (Lek et al., 2016). We interpret W958X as a pathogenic variant.

NM_019066.5(MAGEL2):c.2874G>A (p.Trp958Ter)

Gene: MAGEL2 (MAGE family member L2; minus strand). Cytogenetic location: 15q11.2.
Variant type: single nucleotide variant.
Coding change: c.2874G>A on transcript NM_019066.5 (MANE Select); coding-DNA position 2874, G replaced by A.
Protein change: p.Trp958Ter; replaces tryptophan 958 with a stop codon.
Molecular consequence: nonsense.
Genome position (GRCh38, 1-based): chr15:23,644,869, C>T on the plus strand (G>A on the coding strand, the complement: MAGEL2 is on the minus strand). VCF-style: chr15-23644869-C-T. GRCh37 (hg19) VCF-style: chr15-23890016-C-T.
Other names: short protein forms W958*.
Identifiers: ClinVar variation 620452 (VCV000620452.1), dbSNP rs1566783684, ClinGen allele CA391327012.
Genomic context (GRCh38, chr15:23,644,869, plus strand): 5'-GGCCCTGGAGGTGCTCGGGCCCTCCCAGGCACTCAGGGCCCAGGATGCGCTGGGCCCTTC[C>T]CAGCCACTCAGGATCCTGGAGGTGCTAGGGCCCTCCCAACCACTCAGGCCACGGGGGGTG-3'